The following is an entry in ClinVar:

NM_001267550.2(TTN):c.57692G>A (p.Trp19231Ter)

Genes: TTN-AS1 (TTN antisense RNA 1; plus strand), TTN (titin; minus strand). Cytogenetic location: 2q31.2.
Variant type: single nucleotide variant.
Coding change: c.57692G>A on transcript NM_001267550.2 (MANE Select); coding-DNA position 57692, G replaced by A.
Protein change: p.Trp19231Ter; replaces tryptophan 19231 with a stop codon.
Molecular consequence: nonsense.
Genome position (GRCh38, 1-based): chr2:178,595,662, C>T on the plus strand (G>A on the coding strand, the complement: TTN is on the minus strand). VCF-style: chr2-178595662-C-T. GRCh37 (hg19) VCF-style: chr2-179460389-C-T.
Other names: c.52769G>A, p.Trp17590Ter (NM_001256850.1); c.30497G>A, p.Trp10166Ter (NM_003319.4); c.49988G>A, p.Trp16663Ter (NM_133378.4); c.30872G>A, p.Trp10291Ter (NM_133432.3); c.31073G>A, p.Trp10358Ter (NM_133437.4); short protein forms W19231*, W10166*, W10291*, W10358*, W16663*, W17590*.
Identifiers: ClinVar variation 1485852 (VCV001485852.6), dbSNP rs267599044, ClinGen allele CA60973642.
Genomic context (GRCh38, chr2:178,595,662, plus strand): 5'-CCTTGAATGAGACCCTGGACAGTAGCATTTTGTCGGGTAACTGTATATGTCACTGGGGTC[C>T]ATGCTCTGCGGTCAGATTCACGCTTTTCAATGACATAATTGGTGATTGGAGAGCCTCCAT-3'

ClinVar aggregate classification (germline): Likely pathogenic (1 of 4 stars; one submission).

Conditions:
Dilated cardiomyopathy 1G (CMD1G). Identifiers: Orphanet 154, MedGen C1858763, MONDO:0011400, OMIM 604145.
Autosomal recessive limb-girdle muscular dystrophy type 2J (LGMDR10). Also called: Limb-girdle muscular dystrophy, type 2J; MUSCULAR DYSTROPHY, LIMB-GIRDLE, AUTOSOMAL RECESSIVE 10. Identifiers: Orphanet 140922, MedGen C1837342, MONDO:0012127, OMIM 608807.

Submission:

Labcorp Genetics (formerly Invitae), Labcorp
Classification: Likely pathogenic for Dilated cardiomyopathy 1G; Autosomal recessive limb-girdle muscular dystrophy type 2J. Last evaluated: 2021-10-01. Review status: criteria provided, single submitter. Criteria: Invitae Variant Classification Sherloc (09022015). Collection method: clinical testing. Allele origin: germline.
Comment: This variant is not present in population databases (ExAC no frequency). In summary, the currently available evidence indicates that the variant is pathogenic, but additional data are needed to prove that conclusively. Therefore, this variant has been classified as Likely Pathogenic. This variant is located in the A band of TTN (PMID: 25589632). Truncating variants in this region are significantly overrepresented in patients affected with dilated cardiomyopathy (PMID: 25589632). Truncating variants in this region have also been reported in individuals affected with autosomal recessive centronuclear myopathy (PMID: 23975875). This variant has not been reported in the literature in individuals affected with TTN-related conditions. This sequence change creates a premature translational stop signal (p.Trp19231*) in the TTN gene. While this is not anticipated to result in nonsense mediated decay, it is expected to create a truncated TTN protein.

Literature cited by the submitters: PubMed 25589632; PubMed 23975875.